The following is an entry in ClinVar:

ClinVar aggregate classification (germline): Likely benign (0 of 4 stars; one submission).

Conditions:
LYST-related disorder. Also called: LYST-related condition.

Allele frequency attached by ClinVar (database versions not stated): gnomAD 0.00001.
gnomAD v4.1: 13 of 1,613,484 alleles (0.00081%); highest among the groups gnomAD compares: Middle Eastern, 0.033%; no homozygotes.

Submission:

PreventionGenetics, part of Exact Sciences
Classification: Likely benign for LYST-related condition. Last evaluated: 2021-11-18. Review status: no assertion criteria provided. Collection method: clinical testing. Allele origin: germline.
Comment: This variant is classified as likely benign based on ACMG/AMP sequence variant interpretation guidelines (Richards et al. 2015 PMID: 25741868, with internal and published modifications).

NM_000081.4(LYST):c.2319G>A (p.Val773=)

Gene: LYST (lysosomal trafficking regulator; minus strand). Cytogenetic location: 1q42.3.
Variant type: single nucleotide variant.
Coding change: c.2319G>A on transcript NM_000081.4 (MANE Select); coding-DNA position 2319, G replaced by A.
Protein change: p.Val773=; no amino-acid change (valine 773 retained).
Molecular consequence: synonymous variant.
Genome position (GRCh38, 1-based): chr1:235,808,499, C>T on the plus strand (G>A on the coding strand, the complement: LYST is on the minus strand). VCF-style: chr1-235808499-C-T. GRCh37 (hg19) VCF-style: chr1-235971799-C-T.
Other names: c.2319G>A, p.Val773= (NM_001301365.1).
Identifiers: ClinVar variation 3030452 (VCV003030452.2), dbSNP rs1018280694, ClinGen allele CA39617780.